The following is an entry in ClinVar:

NM_003906.5(MCM3AP):c.5743A>G (p.Ile1915Val)

Genes: MCM3AP (minichromosome maintenance complex component 3 associated protein; minus strand), MCM3AP-AS1 (MCM3AP antisense RNA 1; plus strand). Cytogenetic location: 21q22.3.
Variant type: single nucleotide variant.
Coding change: c.5743A>G on transcript NM_003906.5 (MANE Select); coding-DNA position 5743, A replaced by G.
Protein change: p.Ile1915Val; replaces isoleucine 1915 with valine.
Molecular consequence: missense variant.
Genome position (GRCh38, 1-based): chr21:46,236,870, T>C on the plus strand (A>G on the coding strand, the complement: MCM3AP is on the minus strand). VCF-style: chr21-46236870-T-C. GRCh37 (hg19) VCF-style: chr21-47656784-T-C.
Other names: c.5743A>G (NM_003906.3); short protein forms I1915V.
Identifiers: ClinVar variation 1493638 (VCV001493638.7), dbSNP rs769854523, ClinGen allele CA10075765.

ClinVar aggregate classification (germline): Uncertain significance. Review status: criteria provided, multiple submitters, no conflicts (2 of 4 stars). 2 submissions from 2 submitters: Uncertain significance (2). Last evaluated 2025-03-27.

Conditions:
Inborn genetic diseases. Identifiers: MedGen C0950123, MeSH D030342.

Allele frequency attached by ClinVar (database versions not stated): ExAC 0.00001; gnomAD 0.00001; gnomAD exomes 0.00001 and 0.00002; TOPMed 0.00001.
gnomAD v4.1: 12 of 1,565,748 alleles (0.00077%); highest among the groups gnomAD compares: East Asian, 0.0025%; no homozygotes.

Submissions (2):

Ambry Genetics
Classification: Uncertain significance for Inborn genetic diseases. Last evaluated: 2025-03-27. Review status: criteria provided, single submitter. Criteria: Ambry Variant Classification Scheme 2023. Collection method: clinical testing. Allele origin: germline.

Labcorp Genetics (formerly Invitae), Labcorp
Classification: Uncertain significance. Last evaluated: 2022-04-15. Review status: criteria provided, single submitter. Criteria: Invitae Variant Classification Sherloc (09022015). Collection method: clinical testing. Allele origin: germline.
Comment: In summary, the available evidence is currently insufficient to determine the role of this variant in disease. Therefore, it has been classified as a Variant of Uncertain Significance. Algorithms developed to predict the effect of missense changes on protein structure and function output the following: SIFT: "Tolerated"; PolyPhen-2: "Benign"; Align-GVGD: "Class C0". The valine amino acid residue is found in multiple mammalian species, which suggests that this missense change does not adversely affect protein function. This variant has not been reported in the literature in individuals affected with MCM3AP-related conditions. This variant is present in population databases (rs769854523, gnomAD 0.007%). This sequence change replaces isoleucine, which is neutral and non-polar, with valine, which is neutral and non-polar, at codon 1915 of the MCM3AP protein (p.Ile1915Val).